The following is an entry in ClinVar:

NM_001025603.2(RFX5):c.618C>T (p.Ala206=)

Gene: RFX5 (regulatory factor X5; minus strand). Cytogenetic location: 1q21.3.
Variant type: single nucleotide variant.
Coding change: c.618C>T on transcript NM_001025603.2 (MANE Select); coding-DNA position 618, C replaced by T.
Protein change: p.Ala206=; no amino-acid change (alanine 206 retained).
Molecular consequence: synonymous variant.
Genome position (GRCh38, 1-based): chr1:151,343,820, G>A on the plus strand (C>T on the coding strand, the complement: RFX5 is on the minus strand). VCF-style: chr1-151343820-G-A. GRCh37 (hg19) VCF-style: chr1-151316296-G-A.
Other names: c.618C>T, p.Ala206= (NM_000449.4, NM_001379412.1, NM_001379413.1 and 5 more transcripts); c.498C>T, p.Ala166= (NM_001379419.1, NM_001379420.1).
Identifiers: ClinVar variation 3234424 (VCV003234424.20), dbSNP rs2529027863, ClinGen allele CA420742455.

ClinVar aggregate classification (germline): Likely benign (1 of 4 stars; one submission).

Submission:

CeGaT Center for Human Genetics Tuebingen
Classification: Likely benign. Last evaluated: 2024-03-01. Review status: criteria provided, single submitter. Criteria: CeGaT Center For Human Genetics Tuebingen Variant Classification Criteria Version 2. Collection method: clinical testing. Allele origin: germline. Affected: yes. Observed: 1 variant allele.
Comment: RFX5: PM2:Supporting, BP4, BP7